The following is an entry in ClinVar:

ClinVar aggregate classification (germline): Uncertain significance. Review status: criteria provided, multiple submitters, no conflicts (2 of 4 stars). 2 submissions from 2 submitters: Uncertain significance (2). Last evaluated 2024-06-09.

Conditions:
Focal segmental glomerulosclerosis 5 (FSGS5). Identifiers: Orphanet 656, MedGen C2750475, MONDO:0013191, OMIM 613237.
Charcot-Marie-Tooth disease dominant intermediate E. Also called: CHARCOT-MARIE-TOOTH NEUROPATHY WITH FOCAL SEGMENTAL GLOMERULONEPHRITIS. Identifiers: Orphanet 93114, MedGen C4302667, MONDO:0013758, OMIM 614455.

gnomAD v4.1: 7 of 1,612,756 alleles (0.00043%); highest among the groups gnomAD compares: African/African-American, 0.0013%; no homozygotes.

Submissions (2):

Labcorp Genetics (formerly Invitae), Labcorp
Classification: Uncertain significance for Charcot-Marie-Tooth disease dominant intermediate E; Focal segmental glomerulosclerosis 5. Last evaluated: 2024-06-09. Review status: criteria provided, single submitter. Criteria: Invitae Variant Classification Sherloc (09022015). Collection method: clinical testing. Allele origin: germline.
Comment: This sequence change replaces serine, which is neutral and polar, with arginine, which is basic and polar, at codon 1126 of the INF2 protein (p.Ser1126Arg). This variant is not present in population databases (gnomAD no frequency). This variant has not been reported in the literature in individuals affected with INF2-related conditions. Advanced modeling of protein sequence and biophysical properties (such as structural, functional, and spatial information, amino acid conservation, physicochemical variation, residue mobility, and thermodynamic stability) performed at Invitae indicates that this missense variant is not expected to disrupt INF2 protein function with a negative predictive value of 95%. In summary, the available evidence is currently insufficient to determine the role of this variant in disease. Therefore, it has been classified as a Variant of Uncertain Significance.

Fulgent Genetics
Classification: Uncertain significance for Focal segmental glomerulosclerosis 5; Charcot-Marie-Tooth disease dominant intermediate E. Last evaluated: 2024-05-30. Review status: criteria provided, single submitter. Criteria: ACMG Guidelines, 2015. Collection method: clinical testing. Allele origin: germline.

NM_022489.4(INF2):c.3376A>C (p.Ser1126Arg)

Gene: INF2 (inverted formin 2; plus strand). Cytogenetic location: 14q32.33.
Variant type: single nucleotide variant.
Coding change: c.3376A>C on transcript NM_022489.4 (MANE Select); coding-DNA position 3376, A replaced by C.
Protein change: p.Ser1126Arg; replaces serine 1126 with arginine.
Molecular consequence: missense variant. On other transcripts: non-coding transcript variant (1).
Genome position (GRCh38, 1-based): chr14:104,714,538, A>C. VCF-style: chr14-104714538-A-C. GRCh37 (hg19) VCF-style: chr14-105180875-A-C.
Other names: c.3376A>C, p.Ser1126Arg (NM_001031714.4, NM_001426862.1, NM_001426863.1 and 2 more transcripts); short protein forms S1126R.
Identifiers: ClinVar variation 3576477 (VCV003576477.3).